The following is an entry in ClinVar:

ClinVar aggregate classification (germline): Uncertain significance (1 of 4 stars; one submission).

Allele frequency attached by ClinVar (database versions not stated): gnomAD exomes below 0.00001 and 0.00004; gnomAD 0.00001; TOPMed 0.00002.
gnomAD v4.1: 56 of 1,613,966 alleles (0.0035%); highest among the groups gnomAD compares: Non-Finnish European, 0.0047%; no homozygotes.

Submission:

Labcorp Genetics (formerly Invitae), Labcorp
Classification: Uncertain significance. Last evaluated: 2021-11-27. Review status: criteria provided, single submitter. Criteria: Invitae Variant Classification Sherloc (09022015). Collection method: clinical testing. Allele origin: germline.
Comment: This sequence change replaces proline, which is neutral and non-polar, with alanine, which is neutral and non-polar, at codon 1083 of the EIF2AK3 protein (p.Pro1083Ala). This variant is present in population databases (no rsID available, gnomAD 0.002%). This variant has not been reported in the literature in individuals affected with EIF2AK3-related conditions. Algorithms developed to predict the effect of missense changes on protein structure and function (SIFT, PolyPhen-2, Align-GVGD) all suggest that this variant is likely to be tolerated. In summary, the available evidence is currently insufficient to determine the role of this variant in disease. Therefore, it has been classified as a Variant of Uncertain Significance.

NM_004836.7(EIF2AK3):c.3247C>G (p.Pro1083Ala)

Genes: EIF2AK3 (eukaryotic translation initiation factor 2 alpha kinase 3; minus strand), EIF2AK3-AS1 (EIF2AK3 antisense RNA 1; plus strand). Cytogenetic location: 2p11.2.
Variant type: single nucleotide variant.
Coding change: c.3247C>G on transcript NM_004836.7 (MANE Select); coding-DNA position 3247, C replaced by G.
Protein change: p.Pro1083Ala; replaces proline 1083 with alanine.
Molecular consequence: missense variant.
Genome position (GRCh38, 1-based): chr2:88,557,840, G>C on the plus strand (C>G on the coding strand, the complement: EIF2AK3 is on the minus strand). VCF-style: chr2-88557840-G-C. GRCh37 (hg19) VCF-style: chr2-88857358-G-C.
Other names: c.2794C>G, p.Pro932Ala (NM_001313915.2); short protein forms P1083A, P932A.
Identifiers: ClinVar variation 1471436 (VCV001471436.3), dbSNP rs1270652878, ClinGen allele CA347583658.